The following is an entry in ClinVar:

NM_000264.5(PTCH1):c.4100C>G (p.Pro1367Arg)

Gene: PTCH1 (patched 1; minus strand). Cytogenetic location: 9q22.32.
Variant type: single nucleotide variant.
Coding change: c.4100C>G on transcript NM_000264.5 (MANE Select); coding-DNA position 4100, C replaced by G.
Protein change: p.Pro1367Arg; replaces proline 1367 with arginine.
Molecular consequence: missense variant. On other transcripts: non-coding transcript variant (1).
Genome position (GRCh38, 1-based): chr9:95,447,156, G>C on the plus strand (C>G on the coding strand, the complement: PTCH1 is on the minus strand). VCF-style: chr9-95447156-G-C. GRCh37 (hg19) VCF-style: chr9-98209438-G-C.
Other names: c.3902C>G, p.Pro1301Arg (NM_001083602.3); c.4097C>G, p.Pro1366Arg (NM_001083603.3); c.3647C>G, p.Pro1216Arg (NM_001083604.3, NM_001083605.3, NM_001083606.3 and 1 more transcripts); c.3944C>G, p.Pro1315Arg (NM_001354918.2); short protein forms P1366R, P1216R, P1315R, P1367R, P1301R.
Identifiers: ClinVar variation 1737854 (VCV001737854.4), dbSNP rs1036980234, ClinGen allele CA374110314.

ClinVar aggregate classification (germline): Uncertain significance (1 of 4 stars; one submission).

Conditions:
Hereditary cancer-predisposing syndrome. Also called: Hereditary Cancer Syndrome; Hereditary neoplastic syndrome; Neoplastic Syndromes, Hereditary; Tumor predisposition. Identifiers: Orphanet 140162, MedGen C0027672, MeSH D009386, MONDO:0015356.

Submission:

Ambry Genetics
Classification: Uncertain significance for Hereditary cancer-predisposing syndrome. Last evaluated: 2026-07-24. Review status: criteria provided, single submitter. Criteria: Ambry Variant Classification Scheme 2023. Collection method: clinical testing. Allele origin: germline.
Comment: The p.P1367R variant (also known as c.4100C>G), located in coding exon 23 of the PTCH1 gene, results from a C to G substitution at nucleotide position 4100. The proline at codon 1367 is replaced by arginine, an amino acid with dissimilar properties. This amino acid position is conserved. In addition, this alteration is predicted to be deleterious by in silico analysis. Based on the available evidence, the clinical significance of this variant remains unclear.